The following is an entry in ClinVar:

NM_005647.4(TBL1X):c.1621C>T (p.His541Tyr)

Gene: TBL1X (transducin beta like 1 X-linked; plus strand). Cytogenetic location: Xp22.2.
Variant type: single nucleotide variant.
Coding change: c.1621C>T on transcript NM_005647.4 (MANE Select); coding-DNA position 1621, C replaced by T.
Protein change: p.His541Tyr; replaces histidine 541 with tyrosine.
Molecular consequence: missense variant.
Genome position (GRCh38, 1-based): chrX:9,714,917, C>T. VCF-style: chrX-9714917-C-T. GRCh37 (hg19) VCF-style: chrX-9682957-C-T.
Other names: c.1621C>T, p.His541Tyr (NM_001139466.1); c.1468C>T, p.His490Tyr (NM_001139467.1, NM_001139468.1); c.1621C>T (NM_005647.3); short protein forms H490Y, H541Y.
Identifiers: ClinVar variation 1685161 (VCV001685161.2), dbSNP rs887842671, ClinGen allele CA326076197.
Genomic context (GRCh38, chrX:9,714,917, plus strand): 5'-GCAGGCGCCCCTTGCGTTGTAAGTGACAGCTGCTTTGCTTTGCAGAGTGGAAATCTTGTC[C>T]ACAGCTACCGAGGCACTGGCGGCATCTTCGAGGTGTGCTGGAACGCCCGAGGAGACAAAG-3'
Protein context (NP_005638.1, residues 531-551): IWNTQSGNLV[His541Tyr]SYRGTGGIFE

ClinVar aggregate classification (germline): Uncertain significance. Review status: criteria provided, multiple submitters, no conflicts (2 of 4 stars). 2 submissions from 2 submitters: Uncertain significance (2). Last evaluated 2024-05-20.

Submissions (2):

GeneDx
Classification: Uncertain significance. Last evaluated: 2024-05-20. Review status: criteria provided, single submitter. Criteria: GeneDx Variant Classification Process June 2021. Collection method: clinical testing. Allele origin: germline. Affected: yes.
Comment: In silico analysis supports that this missense variant has a deleterious effect on protein structure/function; Has not been previously published as pathogenic or benign to our knowledge

Mendelics
Classification: Uncertain significance. Last evaluated: 2022-05-04. Review status: criteria provided, single submitter. Criteria: Mendelics Assertion Criteria 2019. Collection method: clinical testing. Allele origin: germline.